The following is an entry in ClinVar:

NM_006206.6(PDGFRA):c.2747C>T (p.Ala916Val)

Gene: PDGFRA (platelet derived growth factor receptor alpha; plus strand). Cytogenetic location: 4q12.
Variant type: single nucleotide variant.
Coding change: c.2747C>T on transcript NM_006206.6 (MANE Select); coding-DNA position 2747, C replaced by T.
Protein change: p.Ala916Val; replaces alanine 916 with valine.
Molecular consequence: missense variant.
Genome position (GRCh38, 1-based): chr4:54,288,871, C>T. VCF-style: chr4-54288871-C-T. GRCh37 (hg19) VCF-style: chr4-55155038-C-T.
Other names: c.2822C>T, p.Ala941Val (NM_001347828.2); c.2747C>T, p.Ala916Val (NM_001347829.2); c.2786C>T, p.Ala929Val (NM_001347830.2); short protein forms A941V, A929V, A916V.
Identifiers: ClinVar variation 845504 (VCV000845504.11), dbSNP rs1403858596, ClinGen allele CA356895567.

ClinVar aggregate classification (germline): Uncertain significance. Review status: criteria provided, multiple submitters, no conflicts (2 of 4 stars). 2 submissions from 2 submitters: Uncertain significance (2). Last evaluated 2024-05-15.

Conditions:
Hereditary cancer-predisposing syndrome. Also called: Neoplastic Syndromes, Hereditary; Tumor predisposition; Hereditary Cancer Syndrome; Hereditary neoplastic syndrome. Identifiers: Orphanet 140162, MedGen C0027672, MeSH D009386, MONDO:0015356.
Gastrointestinal stromal tumor. Also called: Gastrointestinal stromal tumor, somatic; Gastrointestinal stroma tumor. Identifiers: Orphanet 44890, MedGen C0238198, MeSH D046152, MONDO:0011719, OMIM 606764, HP:0100723.

Submissions (2):

Ambry Genetics
Classification: Uncertain significance for Hereditary cancer-predisposing syndrome. Last evaluated: 2024-05-15. Review status: criteria provided, single submitter. Criteria: Ambry Variant Classification Scheme 2023. Collection method: clinical testing. Allele origin: germline.
Comment: The p.A916V variant (also known as c.2747C>T), located in coding exon 19 of the PDGFRA gene, results from a C to T substitution at nucleotide position 2747. The alanine at codon 916 is replaced by valine, an amino acid with similar properties. This amino acid position is conserved. In addition, the in silico prediction for this alteration is inconclusive. Based on the available evidence, the clinical significance of this variant remains unclear.

Labcorp Genetics (formerly Invitae), Labcorp
Classification: Uncertain significance for Gastrointestinal stromal tumor. Last evaluated: 2020-01-30. Review status: criteria provided, single submitter. Criteria: Invitae Variant Classification Sherloc (09022015). Collection method: clinical testing. Allele origin: germline.
Comment: In summary, the available evidence is currently insufficient to determine the role of this variant in disease. Therefore, it has been classified as a Variant of Uncertain Significance. Algorithms developed to predict the effect of missense changes on protein structure and function (SIFT, PolyPhen-2, Align-GVGD) all suggest that this variant is likely to be tolerated, but these predictions have not been confirmed by published functional studies and their clinical significance is uncertain. This variant has not been reported in the literature in individuals with PDGFRA-related conditions. This variant is not present in population databases (ExAC no frequency). This sequence change replaces alanine with valine at codon 916 of the PDGFRA protein (p.Ala916Val). The alanine residue is moderately conserved and there is a small physicochemical difference between alanine and valine.